The following is an entry in ClinVar:

NM_025132.4(WDR19):c.3851T>C (p.Met1284Thr)

Gene: WDR19 (WD repeat domain 19; plus strand). Cytogenetic location: 4p14.
Variant type: single nucleotide variant.
Coding change: c.3851T>C on transcript NM_025132.4 (MANE Select); coding-DNA position 3851, T replaced by C.
Protein change: p.Met1284Thr; replaces methionine 1284 with threonine.
Molecular consequence: missense variant.
Genome position (GRCh38, 1-based): chr4:39,278,141, T>C. VCF-style: chr4-39278141-T-C. GRCh37 (hg19) VCF-style: chr4-39279761-T-C.
Other names: c.3371T>C, p.Met1124Thr (NM_001317924.2); short protein forms M1124T, M1284T.
Identifiers: ClinVar variation 866286 (VCV000866286.7), dbSNP rs1438498947, ClinGen allele CA356653711.

ClinVar aggregate classification (germline): Uncertain significance. Review status: criteria provided, multiple submitters, no conflicts (2 of 4 stars). 2 submissions from 2 submitters: Uncertain significance (2). Last evaluated 2024-11-05.

Conditions:
Asphyxiating thoracic dystrophy 5 (SRTD5). Also called: SHORT-RIB THORACIC DYSPLASIA 5 WITH OR WITHOUT POLYDACTYLY; SHORT-RIB THORACIC DYSPLASIA 5 WITHOUT POLYDACTYLY. Identifiers: Orphanet 474, MedGen C3280598, MONDO:0013717, OMIM 614376.
Senior-Loken syndrome 8 (SLSN8). Identifiers: Orphanet 3156, MedGen C4225376, MONDO:0014579, OMIM 616307.

Allele frequency attached by ClinVar (database versions not stated): gnomAD exomes below 0.00001.

Submissions (2):

Labcorp Genetics (formerly Invitae), Labcorp
Classification: Uncertain significance for Senior-Loken syndrome 8; Asphyxiating thoracic dystrophy 5. Last evaluated: 2024-11-05. Review status: criteria provided, single submitter. Criteria: Invitae Variant Classification Sherloc (09022015). Collection method: clinical testing. Allele origin: germline.
Comment: This sequence change replaces methionine, which is neutral and non-polar, with threonine, which is neutral and polar, at codon 1284 of the WDR19 protein (p.Met1284Thr). The frequency data for this variant in the population databases is considered unreliable, as metrics indicate poor data quality at this position in the gnomAD database. This variant has not been reported in the literature in individuals affected with WDR19-related conditions. ClinVar contains an entry for this variant (Variation ID: 866286). Invitae Evidence Modeling of protein sequence and biophysical properties (such as structural, functional, and spatial information, amino acid conservation, physicochemical variation, residue mobility, and thermodynamic stability) has been performed for this missense variant. However, the output from this modeling did not meet the statistical confidence thresholds required to predict the impact of this variant on WDR19 protein function. In summary, the available evidence is currently insufficient to determine the role of this variant in disease. Therefore, it has been classified as a Variant of Uncertain Significance.

Blueprint Genetics
Classification: Uncertain significance. Last evaluated: 2021-12-06. Review status: criteria provided, single submitter. Criteria: ACMG Guidelines, 2015. Collection method: clinical testing. Allele origin: germline.